The following is an entry in ClinVar:

NM_000138.5(FBN1):c.2006A>T (p.Gln669Leu)

Gene: FBN1 (fibrillin 1; minus strand). Cytogenetic location: 15q21.1.
Variant type: single nucleotide variant.
Coding change: c.2006A>T on transcript NM_000138.5 (MANE Select); coding-DNA position 2006, A replaced by T.
Protein change: p.Gln669Leu; replaces glutamine 669 with leucine.
Molecular consequence: missense variant.
Genome position (GRCh38, 1-based): chr15:48,503,894, T>A on the plus strand (A>T on the coding strand, the complement: FBN1 is on the minus strand). VCF-style: chr15-48503894-T-A. GRCh37 (hg19) VCF-style: chr15-48796091-T-A.
Other names: c.2006A>T, p.Gln669Leu (NM_001406716.1); short protein forms Q669L.
Identifiers: ClinVar variation 3071695 (VCV003071695.1), dbSNP rs939784046, ClinGen allele CA269549043.

ClinVar aggregate classification (germline): Uncertain significance (1 of 4 stars; one submission).

Conditions:
Marfan syndrome (MFS). Also called: MARFAN SYNDROME, TYPE I; Marfan syndrome type 1; Marfan's syndrome; Marfan syndrome, classic; FBN1-Related Marfan Syndrome. Identifiers: Orphanet 284963, Orphanet 558, MedGen C0024796, MONDO:0007947, OMIM 154700.

Allele frequency attached by ClinVar (database versions not stated): gnomAD exomes below 0.00001.
gnomAD v4.1: 1 of 1,614,212 alleles (0.000062%); highest among the groups gnomAD compares: African/African-American, 0.0013%; no homozygotes.

Submission:

All of Us Research Program, National Institutes of Health
Classification: Uncertain significance for Marfan syndrome. Last evaluated: 2023-06-28. Review status: criteria provided, single submitter. Criteria: ACMG Guidelines, 2015. Collection method: clinical testing. Allele origin: germline. Inheritance: Autosomal dominant inheritance. Observed: 1 variant allele, 1 heterozygote.
Comment: This study involves interpretation of variants in research participants for the purpose of population health screening. Participant phenotype was not available at the time of variant classification. Additional details can be found in publication PMID: 35346344, PMCID: PMC8962531